The following is an entry in ClinVar:

NM_020975.6(RET):c.884C>A (p.Thr295Lys)

Gene: RET (ret proto-oncogene; plus strand). Cytogenetic location: 10q11.21.
Variant type: single nucleotide variant.
Coding change: c.884C>A on transcript NM_020975.6 (MANE Select); coding-DNA position 884, C replaced by A.
Protein change: p.Thr295Lys; replaces threonine 295 with lysine.
Molecular consequence: missense variant.
Genome position (GRCh38, 1-based): chr10:43,106,392, C>A. VCF-style: chr10-43106392-C-A. GRCh37 (hg19) VCF-style: chr10-43601840-C-A.
Other names: c.884C>A, p.Thr295Lys (NM_000323.2, NM_001406743.1, NM_001406744.1 and 6 more transcripts); c.122C>A, p.Thr41Lys (NM_001355216.2); c.755C>A, p.Thr252Lys (NM_001406761.1, NM_001406762.1, NM_001406764.1 and 1 more transcripts); c.596C>A, p.Thr199Lys (NM_001406766.1, NM_001406767.1, NM_001406770.1); short protein forms T41K, T295K, T199K, T252K.
Identifiers: ClinVar variation 1764868 (VCV001764868.2), dbSNP rs758159521, ClinGen allele CA376545678.
Genomic context (GRCh38, chr10:43,106,392, plus strand): 5'-GGCCCATCTCGCCTGCACTGACCAACGCCCTCTGCATCCTGCAGGACACCGTGGTGGCCA[C>A]GCTGCGTGTCTTCGATGCAGACGTGGTACCTGCATCAGGGGAGCTGGTGAGGCGGTACAC-3'
Protein context (NP_066124.1, residues 285-305): FKRKEDTVVA[Thr295Lys]LRVFDADVVP

ClinVar aggregate classification (germline): Uncertain significance (1 of 4 stars; one submission).

Conditions:
Hereditary cancer-predisposing syndrome. Also called: Neoplastic Syndromes, Hereditary; Tumor predisposition; Hereditary Cancer Syndrome; Hereditary neoplastic syndrome. Identifiers: Orphanet 140162, MedGen C0027672, MeSH D009386, MONDO:0015356.

Submission:

Ambry Genetics
Classification: Uncertain significance for Hereditary cancer-predisposing syndrome. Last evaluated: 2021-10-08. Review status: criteria provided, single submitter. Criteria: Ambry Variant Classification Scheme 2023. Collection method: clinical testing. Allele origin: germline.
Comment: The p.T295K variant (also known as c.884C>A), located in coding exon 5 of the RET gene, results from a C to A substitution at nucleotide position 884. The threonine at codon 295 is replaced by lysine, an amino acid with similar properties. This amino acid position is not well conserved in available vertebrate species. In addition, this alteration is predicted to be tolerated by in silico analysis. Since supporting evidence is limited at this time, the clinical significance of this alteration remains unclear.